The following is an entry in ClinVar:

ClinVar aggregate classification (germline): Uncertain significance (1 of 4 stars; one submission).

Conditions:
COG7 congenital disorder of glycosylation (CDG2E). Also called: CONGENITAL DISORDER OF GLYCOSYLATION, TYPE IIe; CDG IIe. Identifiers: Orphanet 79333, MedGen C2931010, MONDO:0012118, OMIM 608779.

Submission:

Labcorp Genetics (formerly Invitae), Labcorp
Classification: Uncertain significance for COG7 congenital disorder of glycosylation. Last evaluated: 2025-10-21. Review status: criteria provided, single submitter. Criteria: Invitae Variant Classification Sherloc (09022015). Collection method: clinical testing. Allele origin: germline.
Comment: This sequence change replaces glutamic acid, which is acidic and polar, with lysine, which is basic and polar, at codon 477 of the COG7 protein (p.Glu477Lys). This variant is not present in population databases (gnomAD no frequency). This variant has not been reported in the literature in individuals affected with COG7-related conditions. Invitae Evidence Modeling of protein sequence and biophysical properties (such as structural, functional, and spatial information, amino acid conservation, physicochemical variation, residue mobility, and thermodynamic stability) indicates that this missense variant is not expected to disrupt COG7 protein function with a negative predictive value of 80%. In summary, the available evidence is currently insufficient to determine the role of this variant in disease. Therefore, it has been classified as a Variant of Uncertain Significance.

NM_153603.4(COG7):c.1429G>A (p.Glu477Lys)

Gene: COG7 (component of oligomeric golgi complex 7; minus strand). Cytogenetic location: 16p12.2.
Variant type: single nucleotide variant.
Coding change: c.1429G>A on transcript NM_153603.4 (MANE Select); coding-DNA position 1429, G replaced by A.
Protein change: p.Glu477Lys; replaces glutamic acid 477 with lysine.
Molecular consequence: missense variant.
Genome position (GRCh38, 1-based): chr16:23,410,341, C>T on the plus strand (G>A on the coding strand, the complement: COG7 is on the minus strand). VCF-style: chr16-23410341-C-T. GRCh37 (hg19) VCF-style: chr16-23421662-C-T.
Other names: short protein forms E477K.
Identifiers: ClinVar variation 4734589 (VCV004734589.1).
Genomic context (GRCh38, chr16:23,410,341, plus strand): 5'-CTCCTCTCTCCTACCTGTTGGCTAGCTGCTGCTCGAAGTCCCCACAATGCCGCAAAAGCT[C>T]TCCACAGGTGGCTATTATCCTAAACAAAACAAAAAGCACTTCAAGTTCAAGTATCTGGAA-3'
Protein context (NP_705831.1, residues 467-487): NSIRIIATCG[Glu477Lys]LLRHCGDFEQ